The following is an entry in ClinVar:

ClinVar aggregate classification (germline): Likely benign. Review status: criteria provided, single submitter (1 of 4 stars). 2 submissions from 2 submitters: Likely benign (1). 1 of the submissions does not count toward it. Last evaluated 2023-10-01.

Conditions:
CP-related disorder. Also called: CP-related condition.

gnomAD v4.1: 5 of 1,610,920 alleles (0.00031%); highest among the groups gnomAD compares: Non-Finnish European, 0.00042%; no homozygotes.

Submissions (2):

CeGaT Center for Human Genetics Tuebingen
Classification: Likely benign. Last evaluated: 2023-10-01. Review status: criteria provided, single submitter. Criteria: CeGaT Center For Human Genetics Tuebingen Variant Classification Criteria Version 2. Collection method: clinical testing. Allele origin: germline. Affected: yes. Observed: 1 variant allele.
Comment: CP: PM2:Supporting, BP4, BP7

PreventionGenetics, part of Exact Sciences
Classification: Likely benign for CP-related condition. Last evaluated: 2019-08-09. Review status: no assertion criteria provided. Collection method: clinical testing. Allele origin: germline. Not counted in ClinVar's aggregate classification.
Comment: This variant is classified as likely benign based on ACMG/AMP sequence variant interpretation guidelines (Richards et al. 2015 PMID: 25741868, with internal and published modifications).

NM_000096.4(CP):c.2355G>A (p.Arg785=)

Gene: CP (ceruloplasmin; minus strand). Cytogenetic location: 3q24.
Variant type: single nucleotide variant.
Coding change: c.2355G>A on transcript NM_000096.4 (MANE Select); coding-DNA position 2355, G replaced by A.
Protein change: p.Arg785=; no amino-acid change (arginine 785 retained).
Molecular consequence: synonymous variant. On other transcripts: non-coding transcript variant (1).
Genome position (GRCh38, 1-based): chr3:149,183,536, C>T on the plus strand (G>A on the coding strand, the complement: CP is on the minus strand). VCF-style: chr3-149183536-C-T. GRCh37 (hg19) VCF-style: chr3-148901323-C-T.
Other names: c.2355G>A (NM_000096.3).
Identifiers: ClinVar variation 2654215 (VCV002654215.25), dbSNP rs2472753843, ClinGen allele CA436216210.